The following is an entry in ClinVar:

NM_053025.4(MYLK):c.4645C>T (p.Arg1549Cys)

Gene: MYLK (myosin light chain kinase; minus strand). Cytogenetic location: 3q21.1.
Variant type: single nucleotide variant.
Coding change: c.4645C>T on transcript NM_053025.4 (MANE Select); coding-DNA position 4645, C replaced by T.
Protein change: p.Arg1549Cys; replaces arginine 1549 with cysteine.
Molecular consequence: missense variant.
Genome position (GRCh38, 1-based): chr3:123,640,479, G>A on the plus strand (C>T on the coding strand, the complement: MYLK is on the minus strand). VCF-style: chr3-123640479-G-A. GRCh37 (hg19) VCF-style: chr3-123359326-G-A.
Other names: c.4117C>T, p.Arg1373Cys (NM_001321309.2); c.4438C>T, p.Arg1480Cys (NM_053026.4, NM_053028.4); c.4645C>T, p.Arg1549Cys (NM_053027.4); short protein forms R1549C, R1373C, R1480C.
Identifiers: ClinVar variation 264543 (VCV000264543.12), dbSNP rs886039186, ClinGen allele CA10587552.

ClinVar aggregate classification (germline): Uncertain significance. Review status: criteria provided, multiple submitters, no conflicts (2 of 4 stars). 3 submissions from 3 submitters: Uncertain significance (3). Last evaluated 2024-04-29.

Conditions:
Familial thoracic aortic aneurysm and aortic dissection (TAAD). Also called: Thoracic aortic aneurysms and dissections. Identifiers: Orphanet 91387, MedGen C4707243, MONDO:0019625.
Aortic aneurysm, familial thoracic 7 (AAT7). Also called: AORTIC DISSECTION, FAMILIAL, WITH OR WITHOUT AORTIC ANEURYSM. Identifiers: MedGen C3151077, MONDO:0013418, OMIM 613780.

gnomAD v4.1: 5 of 1,614,038 alleles (0.00031%); highest among the groups gnomAD compares: Non-Finnish European, 0.00042%; no homozygotes.

Submissions (3):

Women's Health and Genetics/Laboratory Corporation of America, LabCorp
Classification: Uncertain significance. Last evaluated: 2024-04-29. Review status: criteria provided, single submitter. Criteria: LabCorp Variant Classification Summary - May 2015. Collection method: clinical testing. Allele origin: germline.
Comment: Variant summary: MYLK c.4645C>T (p.Arg1549Cys) results in a non-conservative amino acid change located in the Protein kinase domain (IPR000719) of the encoded protein sequence. Four of five in-silico tools predict a damaging effect of the variant on protein function. The variant was absent in 251382 control chromosomes. The available data on variant occurrences in the general population are insufficient to allow any conclusion about variant significance. To our knowledge, no occurrence of c.4645C>T in individuals affected with Aortopathy and no experimental evidence demonstrating its impact on protein function have been reported. ClinVar contains an entry for this variant (Variation ID: 264543). Based on the evidence outlined above, the variant was classified as uncertain significance.

Labcorp Genetics (formerly Invitae), Labcorp
Classification: Uncertain significance for Aortic aneurysm, familial thoracic 7. Last evaluated: 2023-08-19. Review status: criteria provided, single submitter. Criteria: Invitae Variant Classification Sherloc (09022015). Collection method: clinical testing. Allele origin: germline.
Comment: In summary, the available evidence is currently insufficient to determine the role of this variant in disease. Therefore, it has been classified as a Variant of Uncertain Significance. Advanced modeling of protein sequence and biophysical properties (such as structural, functional, and spatial information, amino acid conservation, physicochemical variation, residue mobility, and thermodynamic stability) has been performed at Invitae for this missense variant, however the output from this modeling did not meet the statistical confidence thresholds required to predict the impact of this variant on MYLK protein function. ClinVar contains an entry for this variant (Variation ID: 264543). This variant has not been reported in the literature in individuals affected with MYLK-related conditions. This variant is not present in population databases (gnomAD no frequency). This sequence change replaces arginine, which is basic and polar, with cysteine, which is neutral and slightly polar, at codon 1549 of the MYLK protein (p.Arg1549Cys).

Ambry Genetics
Classification: Uncertain significance for Familial thoracic aortic aneurysm and aortic dissection. Last evaluated: 2015-12-07. Review status: criteria provided, single submitter. Criteria: Ambry Variant Classification Scheme 2023. Collection method: clinical testing. Allele origin: germline.
Comment: The p.R1549C variant (also known as c.4645C>T), located in coding exon 25 of the MYLK gene, results from a C to T substitution at nucleotide position 4645. The arginine at codon 1549 is replaced by cysteine, an amino acid with highly dissimilar properties. This variant was not reported in population based cohorts in the following databases: Database of Single Nucleotide Polymorphisms (dbSNP), NHLBI Exome Sequencing Project (ESP), and 1000 Genomes Project. In the ESP, this variant was not observed in 6503 samples (13006 alleles) with coverage at this position. This amino acid position is highly conserved in available vertebrate species. In addition, this alteration is predicted to be deleterious by in silico analysis. Since supporting evidence is limited at this time, the clinical significance of this variant remains unclear.